The following is an entry in ClinVar:

ClinVar aggregate classification (germline): Uncertain significance (1 of 4 stars; one submission).

Submission:

Ambry Genetics
Classification: Uncertain significance. Last evaluated: 2024-06-05. Review status: criteria provided, single submitter. Criteria: Ambry Variant Classification Scheme 2023. Collection method: clinical testing. Allele origin: germline.
Comment: The p.Y1003H variant (also known as c.3007T>C), located in coding exon 24 of the BUB1 gene, results from a T to C substitution at nucleotide position 3007. The tyrosine at codon 1003 is replaced by histidine, an amino acid with similar properties. This amino acid position is conserved. In addition, the in silico prediction for this alteration is inconclusive. Based on the available evidence, the clinical significance of this variant remains unclear.

NM_004336.5(BUB1):c.3007T>C (p.Tyr1003His)

Gene: BUB1 (BUB1 mitotic checkpoint serine/threonine kinase; minus strand). Cytogenetic location: 2q13.
Variant type: single nucleotide variant.
Coding change: c.3007T>C on transcript NM_004336.5 (MANE Select); coding-DNA position 3007, T replaced by C.
Protein change: p.Tyr1003His; replaces tyrosine 1003 with histidine.
Molecular consequence: missense variant.
Genome position (GRCh38, 1-based): chr2:110,639,797, A>G on the plus strand (T>C on the coding strand, the complement: BUB1 is on the minus strand). VCF-style: chr2-110639797-A-G. GRCh37 (hg19) VCF-style: chr2-111397374-A-G.
Other names: c.2947T>C, p.Tyr983His (NM_001278616.2); c.2836T>C, p.Tyr946His (NM_001278617.2); short protein forms Y946H, Y1003H, Y983H.
Identifiers: ClinVar variation 3262168 (VCV003262168.1).